The following is an entry in ClinVar:

NM_001370259.2(MEN1):c.843G>C (p.Gly281=)

Gene: MEN1 (menin 1; minus strand). Cytogenetic location: 11q13.1.
Variant type: single nucleotide variant.
Coding change: c.843G>C on transcript NM_001370259.2 (MANE Select); coding-DNA position 843, G replaced by C.
Protein change: p.Gly281=; no amino-acid change (glycine 281 retained).
Molecular consequence: synonymous variant.
Genome position (GRCh38, 1-based): chr11:64,807,080, C>G on the plus strand (G>C on the coding strand, the complement: MEN1 is on the minus strand). VCF-style: chr11-64807080-C-G. GRCh37 (hg19) VCF-style: chr11-64574552-C-G.
Other names: c.858G>C, p.Gly286= (NM_000244.4, NM_130800.3, NM_130801.3 and 3 more transcripts); c.843G>C, p.Gly281= (NM_001370251.2, NM_001370260.2, NM_001370261.2 and 1 more transcripts); c.738G>C, p.Gly246= (NM_001370262.2, NM_001370263.2); c.858G>C (NM_000244.3).
Identifiers: ClinVar variation 412563 (VCV000412563.22), dbSNP rs562620826, ClinGen allele CA061712.

ClinVar aggregate classification (germline): Benign/Likely benign. Review status: criteria provided, multiple submitters, no conflicts (2 of 4 stars). 8 submissions from 8 submitters: Benign (4); Likely benign (3). 1 of the submissions does not count toward it. Last evaluated 2026-02-03.

Conditions:
MEN1-related disorder. Also called: MEN1-related condition.
Multiple endocrine neoplasia, type 1 (MEN1). Also called: MEA I; MEN I; WERMER SYNDROME; Endocrine adenomatosis multiple; MEN 1. Identifiers: Orphanet 652, MedGen C0025267, MeSH D018761, MONDO:0007540, OMIM 131100.
Hereditary cancer-predisposing syndrome. Also called: Hereditary neoplastic syndrome; Neoplastic Syndromes, Hereditary; Tumor predisposition; Hereditary Cancer Syndrome. Identifiers: Orphanet 140162, MedGen C0027672, MeSH D009386, MONDO:0015356.

Allele frequency attached by ClinVar (database versions not stated): gnomAD 0.00001 and 0.00003; gnomAD exomes 0.00001 and 0.00002; TOPMed 0.00002; ExAC 0.00003; 1000 Genomes Project 30x 0.00016; 1000 Genomes Project 0.00020.
gnomAD v4.1: 31 of 1,614,110 alleles (0.0019%); highest among the groups gnomAD compares: East Asian, 0.027%; no homozygotes.

Submissions (8):

Labcorp Genetics (formerly Invitae), Labcorp
Classification: Benign for Multiple endocrine neoplasia, type 1. Last evaluated: 2026-02-03. Review status: criteria provided, single submitter. Criteria: Invitae Variant Classification Sherloc (09022015). Collection method: clinical testing. Allele origin: germline.

KCCC/NGS Laboratory, Kuwait Cancer Control Center
Classification: Benign for Multiple endocrine neoplasia, type 1. Last evaluated: 2025-02-01. Review status: criteria provided, single submitter. Criteria: ACMG Guidelines, 2015. Collection method: clinical testing. Allele origin: germline. Affected: no.

Myriad Genetics, Inc.
Classification: Benign for Multiple endocrine neoplasia, type 1. Last evaluated: 2024-11-04. Review status: criteria provided, single submitter. Criteria: Myriad Autosomal Dominant, Autosomal Recessive and X-Linked Classification Criteria (2023). Collection method: clinical testing. Allele origin: unknown.
Comment: This variant is considered benign. This variant is a silent/synonymous amino acid change and it is not expected to impact splicing.

All of Us Research Program, National Institutes of Health
Classification: Likely benign for Multiple endocrine neoplasia, type 1. Last evaluated: 2023-12-07. Review status: criteria provided, single submitter. Criteria: ACMG Guidelines, 2015. Collection method: clinical testing. Allele origin: germline. Inheritance: Autosomal dominant inheritance. Observed: 13 variant alleles, 13 heterozygotes.
Comment: This study involves interpretation of variants in research participants for the purpose of population health screening. Participant phenotype was not available at the time of variant classification. Additional details can be found in publication PMID: 35346344, PMCID: PMC8962531

Color Diagnostics, LLC DBA Color Health
Classification: Likely benign for Multiple endocrine neoplasia, type 1. Last evaluated: 2022-11-06. Review status: criteria provided, single submitter. Criteria: ACMG Guidelines, 2015. Collection method: clinical testing. Allele origin: germline.

Sema4
Classification: Benign for Hereditary cancer-predisposing syndrome. Last evaluated: 2021-09-15. Review status: criteria provided, single submitter. Criteria: Sema4 Curation Guidelines. Collection method: curation. Allele origin: germline.

Ambry Genetics
Classification: Likely benign for Hereditary cancer-predisposing syndrome. Last evaluated: 2015-06-28. Review status: criteria provided, single submitter. Criteria: Ambry Variant Classification Scheme 2023. Collection method: clinical testing. Allele origin: germline.

PreventionGenetics, part of Exact Sciences
Classification: Likely benign for MEN1-related condition. Last evaluated: 2019-10-30. Review status: no assertion criteria provided. Collection method: clinical testing. Allele origin: germline. Not counted in ClinVar's aggregate classification.
Comment: This variant is classified as likely benign based on ACMG/AMP sequence variant interpretation guidelines (Richards et al. 2015 PMID: 25741868, with internal and published modifications).